The following is an entry in ClinVar:

ClinVar aggregate classification (germline): Uncertain significance (1 of 4 stars; one submission).

gnomAD v4.1: 31 of 1,614,080 alleles (0.0019%); highest among the groups gnomAD compares: Middle Eastern, 0.049%; no homozygotes.

Submission:

Labcorp Genetics (formerly Invitae), Labcorp
Classification: Uncertain significance. Last evaluated: 2024-04-15. Review status: criteria provided, single submitter. Criteria: Invitae Variant Classification Sherloc (09022015). Collection method: clinical testing. Allele origin: germline.
Comment: This sequence change replaces alanine, which is neutral and non-polar, with threonine, which is neutral and polar, at codon 2713 of the LAMA1 protein (p.Ala2713Thr). This variant is present in population databases (rs372270046, gnomAD 0.008%). This variant has not been reported in the literature in individuals affected with LAMA1-related conditions. Advanced modeling of protein sequence and biophysical properties (such as structural, functional, and spatial information, amino acid conservation, physicochemical variation, residue mobility, and thermodynamic stability) performed at Invitae indicates that this missense variant is expected to disrupt LAMA1 protein function with a positive predictive value of 80%. In summary, the available evidence is currently insufficient to determine the role of this variant in disease. Therefore, it has been classified as a Variant of Uncertain Significance.

NM_005559.4(LAMA1):c.8137G>A (p.Ala2713Thr)

Genes: LAMA1 (laminin subunit alpha 1; minus strand), LOC101927188 (uncharacterized LOC101927188; plus strand). Cytogenetic location: 18p11.31.
Variant type: single nucleotide variant.
Coding change: c.8137G>A on transcript NM_005559.4 (MANE Select); coding-DNA position 8137, G replaced by A.
Protein change: p.Ala2713Thr; replaces alanine 2713 with threonine.
Molecular consequence: missense variant. On other transcripts: non-coding transcript variant (1).
Genome position (GRCh38, 1-based): chr18:6,955,423, C>T on the plus strand (G>A on the coding strand, the complement: LAMA1 is on the minus strand). VCF-style: chr18-6955423-C-T. GRCh37 (hg19) VCF-style: chr18-6955422-C-T.
Other names: short protein forms A2713T.
Identifiers: ClinVar variation 3706555 (VCV003706555.2).